The following is an entry in ClinVar:

ClinVar aggregate classification (germline): Uncertain significance. Review status: criteria provided, multiple submitters, no conflicts (2 of 4 stars). 7 submissions from 4 submitters: Uncertain significance (7). Last evaluated 2025-10-02.

Conditions:
Basal laminar drusen. Also called: DRUSEN OF BRUCH MEMBRANE; DRUSEN, CUTICULAR; DRUSEN, EARLY ADULT-ONSET, GROUPED. Identifiers: Orphanet 75376, MedGen C0730295, MONDO:0007472, OMIM 126700.
Factor H deficiency (CFHD). Also called: CFH DEFICIENCY; COMPLEMENT FACTOR H DEFICIENCY. Identifiers: Orphanet 200421, MedGen C0398777, MONDO:0012350, OMIM 609814.
Age related macular degeneration 4. Identifiers: MedGen C1853147, MONDO:0012540, OMIM 610698.
Hemolytic uremic syndrome, atypical, susceptibility to, 1. Also called: AHUS, SUSCEPTIBILITY TO, 1. Identifiers: Orphanet 2134, Orphanet 90038, MedGen C2749604, MONDO:0009335, OMIM 235400. Disease mechanism: Other.
Atypical hemolytic-uremic syndrome. Identifiers: Orphanet 2134, MedGen C2931788, MONDO:0016244.

Allele frequency attached by ClinVar (database versions not stated): ExAC 0.00004; gnomAD exomes 0.00005 and 0.00001; gnomAD 0.00003; TOPMed below 0.00001.
gnomAD v4.1: 20 of 1,613,268 alleles (0.0012%); highest among the groups gnomAD compares: East Asian, 0.031%; no homozygotes.

Submissions (7):

Genomenon, Inc
Classification: Uncertain significance for Age related macular degeneration 4; Atypical hemolytic-uremic syndrome. Last evaluated: 2025-10-02. Review status: criteria provided, single submitter. Criteria: Genomenon Sequence Variant Interpretation Standards - Updated. Collection method: curation. Allele origin: germline. Affected: yes.
Comment: CFH p.Phe176Leu (c.526T>C) is a missense variant that changes the amino acid at residue 176 from Phenylalanine to Leucine. This variant has been observed in at least one proband affected with a CFH-related disorder (PMID:29686068;34733563;29511899). In conclusion, we classify CFH p.Phe176Leu (c.526T>C) as a variant of uncertain significance.

Labcorp Genetics (formerly Invitae), Labcorp
Classification: Uncertain significance. Last evaluated: 2024-10-07. Review status: criteria provided, single submitter. Criteria: Invitae Variant Classification Sherloc (09022015). Collection method: clinical testing. Allele origin: germline.
Comment: This sequence change replaces phenylalanine, which is neutral and non-polar, with leucine, which is neutral and non-polar, at codon 176 of the CFH protein (p.Phe176Leu). This variant is present in population databases (rs762132970, gnomAD 0.07%). This missense change has been observed in individual(s) with clinical features of CFH-related conditions (PMID: 29511899, 29686068). ClinVar contains an entry for this variant (Variation ID: 1358876). An algorithm developed to predict the effect of missense changes on protein structure and function (PolyPhen-2) suggests that this variant is likely to be disruptive. In summary, the available evidence is currently insufficient to determine the role of this variant in disease. Therefore, it has been classified as a Variant of Uncertain Significance.

Fulgent Genetics
Classification: Uncertain significance for Basal laminar drusen; Hemolytic uremic syndrome, atypical, susceptibility to, 1; Factor H deficiency; Age related macular degeneration 4. Last evaluated: 2024-05-09. Review status: criteria provided, single submitter. Criteria: ACMG Guidelines, 2015. Collection method: clinical testing. Allele origin: germline.

Genome-Nilou Lab
Classification: Uncertain significance for Hemolytic uremic syndrome, atypical, susceptibility to, 1. Last evaluated: 2023-04-11. Review status: criteria provided, single submitter. Criteria: ACMG Guidelines, 2015. Collection method: clinical testing. Allele origin: germline. Affected: no.

Genome-Nilou Lab
Classification: Uncertain significance for Age related macular degeneration 4. Last evaluated: 2023-04-11. Review status: criteria provided, single submitter. Criteria: ACMG Guidelines, 2015. Collection method: clinical testing. Allele origin: germline. Affected: no.

Genome-Nilou Lab
Classification: Uncertain significance for Basal laminar drusen. Last evaluated: 2023-04-11. Review status: criteria provided, single submitter. Criteria: ACMG Guidelines, 2015. Collection method: clinical testing. Allele origin: germline. Affected: no.

Genome-Nilou Lab
Classification: Uncertain significance for Factor H deficiency. Last evaluated: 2023-04-11. Review status: criteria provided, single submitter. Criteria: ACMG Guidelines, 2015. Collection method: clinical testing. Allele origin: germline. Affected: no.

Literature cited by the submitters: PubMed 29686068 (cited by Genomenon, Inc and Labcorp Genetics (formerly Invitae), Labcorp); PubMed 34733563 (cited by Genomenon, Inc); PubMed 29511899 (cited by Genomenon, Inc and Labcorp Genetics (formerly Invitae), Labcorp).

NM_000186.4(CFH):c.526T>C (p.Phe176Leu)

Gene: CFH (complement factor H; plus strand). Cytogenetic location: 1q31.3.
Variant type: single nucleotide variant.
Coding change: c.526T>C on transcript NM_000186.4 (MANE Select); coding-DNA position 526, T replaced by C.
Protein change: p.Phe176Leu; replaces phenylalanine 176 with leucine.
Molecular consequence: missense variant.
Genome position (GRCh38, 1-based): chr1:196,677,574, T>C. VCF-style: chr1-196677574-T-C. GRCh37 (hg19) VCF-style: chr1-196646704-T-C.
Other names: c.526T>C, p.Phe176Leu (NM_001014975.3); short protein forms F176L.
Identifiers: ClinVar variation 1358876 (VCV001358876.12), dbSNP rs762132970, ClinGen allele CA1305084.
Genomic context (GRCh38, chr1:196,677,574, plus strand): 5'-AAAATTGTCAGTAGTGCAATGGAACCAGATCGGGAATACCATTTTGGACAAGCAGTACGG[T>C]TTGTATGTAACTCAGGCTACAAGATTGAAGGAGATGAAGAAATGCATTGTTCAGACGATG-3'
Protein context (NP_000177.2, residues 166-186): REYHFGQAVR[Phe176Leu]VCNSGYKIEG